The following is an entry in ClinVar:

NM_004836.7(EIF2AK3):c.2636C>G (p.Ser879Ter)

Genes: EIF2AK3 (eukaryotic translation initiation factor 2 alpha kinase 3; minus strand), EIF2AK3-AS1 (EIF2AK3 antisense RNA 1; plus strand). Cytogenetic location: 2p11.2.
Variant type: single nucleotide variant.
Coding change: c.2636C>G on transcript NM_004836.7 (MANE Select); coding-DNA position 2636, C replaced by G.
Protein change: p.Ser879Ter; replaces serine 879 with a stop codon.
Molecular consequence: nonsense. On other transcripts: non-coding transcript variant (1).
Genome position (GRCh38, 1-based): chr2:88,574,847, G>C on the plus strand (C>G on the coding strand, the complement: EIF2AK3 is on the minus strand). VCF-style: chr2-88574847-G-C. GRCh37 (hg19) VCF-style: chr2-88874365-G-C.
Other names: c.2183C>G, p.Ser728Ter (NM_001313915.2); short protein forms S728*, S879*.
Identifiers: ClinVar variation 1454333 (VCV001454333.6), dbSNP rs1674410575, ClinGen allele CA347589940.

ClinVar aggregate classification (germline): Pathogenic (1 of 4 stars; one submission).

Submission:

Labcorp Genetics (formerly Invitae), Labcorp
Classification: Pathogenic. Last evaluated: 2022-11-01. Review status: criteria provided, single submitter. Criteria: Invitae Variant Classification Sherloc (09022015). Collection method: clinical testing. Allele origin: germline.
Comment: ClinVar contains an entry for this variant (Variation ID: 1454333). This variant has not been reported in the literature in individuals affected with EIF2AK3-related conditions. This variant is not present in population databases (gnomAD no frequency). For these reasons, this variant has been classified as Pathogenic. This sequence change creates a premature translational stop signal (p.Ser879*) in the EIF2AK3 gene. It is expected to result in an absent or disrupted protein product. Loss-of-function variants in EIF2AK3 are known to be pathogenic (PMID: 11997520).

Literature cited by the submitters: PubMed 11997520.